The following is an entry in ClinVar:

NM_015909.4(NBAS):c.508T>C (p.Ser170Pro)

Gene: NBAS (NBAS subunit of NRZ tethering complex; minus strand). Cytogenetic location: 2p24.3.
Variant type: single nucleotide variant.
Coding change: c.508T>C on transcript NM_015909.4 (MANE Select); coding-DNA position 508, T replaced by C.
Protein change: p.Ser170Pro; replaces serine 170 with proline.
Molecular consequence: missense variant. On other transcripts: non-coding transcript variant (1).
Genome position (GRCh38, 1-based): chr2:15,539,228, A>G on the plus strand (T>C on the coding strand, the complement: NBAS is on the minus strand). VCF-style: chr2-15539228-A-G. GRCh37 (hg19) VCF-style: chr2-15679352-A-G.
Other names: short protein forms S170P.
Identifiers: ClinVar variation 1388831 (VCV001388831.4), dbSNP rs2148689196, ClinGen allele CA345887656.
Genomic context (GRCh38, chr2:15,539,228, plus strand): 5'-CTATACATACATGACATTGAAAAAACTATGTTTTCAATTTAAGCTATGTACATACCGGGG[A>G]AATGACAAAGAGTTCACTTCCCATGAGATCAAACACCCTCACAGTTCCTGTGCTTTCGGC-3'
Protein context (NP_056993.2, residues 160-180): DLMGSELFVI[Ser170Pro]PASSFIGDLS

ClinVar aggregate classification (germline): Uncertain significance (1 of 4 stars; one submission).

gnomAD v4.1: 1 of 1,614,192 alleles (0.000062%); highest among the groups gnomAD compares: Non-Finnish European, 0.000085%; no homozygotes.

Submission:

Labcorp Genetics (formerly Invitae), Labcorp
Classification: Uncertain significance. Last evaluated: 2023-01-09. Review status: criteria provided, single submitter. Criteria: Invitae Variant Classification Sherloc (09022015). Collection method: clinical testing. Allele origin: germline.
Comment: This sequence change replaces serine, which is neutral and polar, with proline, which is neutral and non-polar, at codon 170 of the NBAS protein (p.Ser170Pro). This variant is not present in population databases (gnomAD no frequency). In summary, the available evidence is currently insufficient to determine the role of this variant in disease. Therefore, it has been classified as a Variant of Uncertain Significance. Advanced modeling of protein sequence and biophysical properties (such as structural, functional, and spatial information, amino acid conservation, physicochemical variation, residue mobility, and thermodynamic stability) performed at Invitae indicates that this missense variant is not expected to disrupt NBAS protein function. ClinVar contains an entry for this variant (Variation ID: 1388831). This variant has not been reported in the literature in individuals affected with NBAS-related conditions.